The following is an entry in ClinVar:

ClinVar aggregate classification (germline): Benign. Review status: criteria provided, multiple submitters, no conflicts (2 of 4 stars). 3 submissions from 3 submitters: Benign (3). Last evaluated 2018-11-12.

Allele frequency attached by ClinVar (database versions not stated): ESP Exome Variant Server 0.30237; TOPMed 0.45612; gnomAD 0.46197 and 0.46465; 1000 Genomes Project 30x 0.47455; gnomAD exomes 0.47731 and 0.49949; 1000 Genomes Project 0.48063; ExAC 0.48968.
gnomAD v4.1: 763,166 of 1,603,330 alleles (48%); highest among the groups gnomAD compares: East Asian, 70%; 186,082 homozygotes.

Submissions (3):

GeneDx
Classification: Benign. Last evaluated: 2018-11-12. Review status: criteria provided, single submitter. Criteria: GeneDx Variant Classification Process June 2021. Collection method: clinical testing. Allele origin: germline. Affected: yes.

Laboratory for Molecular Medicine, Mass General Brigham Personalized Medicine
Classification: Benign. Last evaluated: 2016-03-28. Review status: criteria provided, single submitter. Criteria: LMM Criteria. Collection method: clinical testing. Allele origin: germline.
Comment: Variant identified in a genome or exome case(s) and assessed due to predicted null impact of the variant or pathogenic assertions in the literature or databases. Disclaimer: This variant has not undergone full assessment. The following are preliminary notes: Frequency

Breakthrough Genomics
Classification: Benign. Review status: criteria provided, single submitter. Criteria: ACMG Guidelines, 2015. Collection method: not provided. Allele origin: germline. Inheritance: Autosomal dominant inheritance. Affected: yes.

NM_002458.3(MUC5B):c.9215T>C (p.Phe3072Ser)

Genes: MUC5B-AS1 (MUC5B antisense RNA 1; minus strand), MUC5B (mucin 5B, oligomeric mucus/gel-forming; plus strand). Cytogenetic location: 11p15.5.
Variant type: single nucleotide variant.
Coding change: c.9215T>C on transcript NM_002458.3 (MANE Select); coding-DNA position 9215, T replaced by C.
Protein change: p.Phe3072Ser; replaces phenylalanine 3072 with serine.
Molecular consequence: missense variant.
Genome position (GRCh38, 1-based): chr11:1,246,095, T>C. VCF-style: chr11-1246095-T-C. GRCh37 (hg19) VCF-style: chr11-1267325-T-C.
Other names: short protein forms F3072S.
Identifiers: ClinVar variation 403150 (VCV000403150.7), dbSNP rs55813014, ClinGen allele CA5806896.